The following is an entry in ClinVar:

ClinVar aggregate classification (germline): Conflicting classifications of pathogenicity. Review status: criteria provided, conflicting classifications (1 of 4 stars). 2 submissions from 2 submitters: Uncertain significance (1); Likely benign (1). Last evaluated 2024-03-04.

Conditions:
Senior-Loken syndrome 8 (SLSN8). Identifiers: Orphanet 3156, MedGen C4225376, MONDO:0014579, OMIM 616307.
Asphyxiating thoracic dystrophy 5 (SRTD5). Also called: SHORT-RIB THORACIC DYSPLASIA 5 WITH OR WITHOUT POLYDACTYLY; SHORT-RIB THORACIC DYSPLASIA 5 WITHOUT POLYDACTYLY. Identifiers: Orphanet 474, MedGen C3280598, MONDO:0013717, OMIM 614376.

Allele frequency attached by ClinVar (database versions not stated): TOPMed below 0.00001; gnomAD exomes 0.00001; ExAC 0.00002.
gnomAD v4.1: 8 of 1,608,690 alleles (0.0005%); highest among the groups gnomAD compares: East Asian, 0.0089%; no homozygotes.

Submissions (2):

Labcorp Genetics (formerly Invitae), Labcorp
Classification: Uncertain significance for Senior-Loken syndrome 8; Asphyxiating thoracic dystrophy 5. Last evaluated: 2024-03-04. Review status: criteria provided, single submitter. Criteria: Invitae Variant Classification Sherloc (09022015). Collection method: clinical testing. Allele origin: germline.
Comment: This sequence change affects codon 1306 of the WDR19 mRNA. It is a 'silent' change, meaning that it does not change the encoded amino acid sequence of the WDR19 protein. It affects a nucleotide within the consensus splice site. This variant is present in population databases (rs764296921, gnomAD 0.01%). This variant has not been reported in the literature in individuals affected with WDR19-related conditions. ClinVar contains an entry for this variant (Variation ID: 1986821). Algorithms developed to predict the effect of sequence changes on RNA splicing suggest that this variant is not likely to affect RNA splicing. In summary, the available evidence is currently insufficient to determine the role of this variant in disease. Therefore, it has been classified as a Variant of Uncertain Significance.

CeGaT Center for Human Genetics Tuebingen
Classification: Likely benign. Last evaluated: 2022-03-01. Review status: criteria provided, single submitter. Criteria: CeGaT Center For Human Genetics Tuebingen Variant Classification Criteria Version 2. Collection method: clinical testing. Allele origin: germline. Affected: yes. Observed: 1 variant allele.
Comment: WDR19: BP4, BP7

NM_025132.4(WDR19):c.3918C>T (p.Ile1306=)

Gene: WDR19 (WD repeat domain 19; plus strand). Cytogenetic location: 4p14.
Variant type: single nucleotide variant.
Coding change: c.3918C>T on transcript NM_025132.4 (MANE Select); coding-DNA position 3918, C replaced by T.
Protein change: p.Ile1306=; no amino-acid change (isoleucine 1306 retained).
Molecular consequence: synonymous variant.
Genome position (GRCh38, 1-based): chr4:39,278,539, C>T. VCF-style: chr4-39278539-C-T. GRCh37 (hg19) VCF-style: chr4-39280159-C-T.
Other names: c.3438C>T, p.Ile1146= (NM_001317924.2).
Identifiers: ClinVar variation 1986821 (VCV001986821.27), dbSNP rs764296921, ClinGen allele CA2892540.